The following is an entry in ClinVar:

NM_001458.5(FLNC):c.2627G>T (p.Gly876Val)

Gene: FLNC (filamin C; plus strand). Cytogenetic location: 7q32.1.
Variant type: single nucleotide variant.
Coding change: c.2627G>T on transcript NM_001458.5 (MANE Select); coding-DNA position 2627, G replaced by T.
Protein change: p.Gly876Val; replaces glycine 876 with valine.
Molecular consequence: missense variant.
Genome position (GRCh38, 1-based): chr7:128,843,305, G>T. VCF-style: chr7-128843305-G-T. GRCh37 (hg19) VCF-style: chr7-128483359-G-T.
Other names: c.2627G>T, p.Gly876Val (NM_001127487.2); short protein forms G876V.
Identifiers: ClinVar variation 936351 (VCV000936351.14), dbSNP rs534407127, ClinGen allele CA166176275.

ClinVar aggregate classification (germline): Uncertain significance. Review status: criteria provided, multiple submitters, no conflicts (2 of 4 stars). 6 submissions from 6 submitters: Uncertain significance (3). 3 of the submissions do not count toward it. Last evaluated 2026-07-10.

Conditions:
Cardiovascular phenotype. Identifiers: MedGen CN230736.
Distal myopathy with posterior leg and anterior hand involvement. Also called: WILLIAMS DISTAL MYOPATHY. Identifiers: Orphanet 63273, MedGen C3279722, MONDO:0013550, OMIM 614065.
Myofibrillar myopathy 5. Also called: Filaminopathy (type); FILAMINOPATHY, AUTOSOMAL DOMINANT. Identifiers: Orphanet 171445, MedGen C1836050, MONDO:0012289, OMIM 609524.
Hypertrophic cardiomyopathy 26. Also called: Cardiomyopathy, familial hypertrophic, 26. Identifiers: Orphanet 75249, MedGen C4310749, MONDO:0014883, OMIM 617047.
FLNC-related disorder. Also called: FLNC-related condition; FLNC-related disorders.

Allele frequency attached by ClinVar (database versions not stated): gnomAD 0.00001; gnomAD exomes 0.00001; TOPMed 0.00001.

Submissions (6):

PreventionGenetics, part of Exact Sciences
Classification: Uncertain significance for FLNC-related condition. Last evaluated: 2026-07-10. Review status: criteria provided, single submitter. Criteria: ACMG Guidelines, 2015. Collection method: clinical testing. Allele origin: germline.
Comment: The FLNC c.2627G>T variant is predicted to result in the amino acid substitution p.Gly876Val. This variant has been reported in a control cohort (Supplementary Table 4, Janssens et al. 2015. PubMed ID: 26555887). This variant is reported in 0.0065% of alleles in individuals of European (Non-Finnish) descent in gnomAD and is interpreted as uncertain in ClinVar (Variation ID: 936351). At this time, the clinical significance of this variant is uncertain due to the absence of conclusive functional and genetic evidence.

Labcorp Genetics (formerly Invitae), Labcorp
Classification: Uncertain significance for Distal myopathy with posterior leg and anterior hand involvement; Myofibrillar myopathy 5; Hypertrophic cardiomyopathy 26. Last evaluated: 2024-10-03. Review status: criteria provided, single submitter. Criteria: Invitae Variant Classification Sherloc (09022015). Collection method: clinical testing. Allele origin: germline.
Comment: This sequence change replaces glycine, which is neutral and non-polar, with valine, which is neutral and non-polar, at codon 876 of the FLNC protein (p.Gly876Val). This variant is present in population databases (rs534407127, gnomAD 0.007%). This variant has not been reported in the literature in individuals affected with FLNC-related conditions. ClinVar contains an entry for this variant (Variation ID: 936351). Invitae Evidence Modeling of protein sequence and biophysical properties (such as structural, functional, and spatial information, amino acid conservation, physicochemical variation, residue mobility, and thermodynamic stability) has been performed for this missense variant. However, the output from this modeling did not meet the statistical confidence thresholds required to predict the impact of this variant on FLNC protein function. In summary, the available evidence is currently insufficient to determine the role of this variant in disease. Therefore, it has been classified as a Variant of Uncertain Significance.

Ambry Genetics
Classification: Uncertain significance for Cardiovascular phenotype. Last evaluated: 2024-08-09. Review status: criteria provided, single submitter. Criteria: Ambry Variant Classification Scheme 2023. Collection method: clinical testing. Allele origin: germline.
Comment: The p.G876V variant (also known as c.2627G>T), located in coding exon 17 of the FLNC gene, results from a G to T substitution at nucleotide position 2627. The glycine at codon 876 is replaced by valine, an amino acid with dissimilar properties. This variant was identified in a control cohort (Janssens J et al. Acta Neuropathol Commun, 2015 Nov;3:68). This amino acid position is highly conserved in available vertebrate species. In addition, this alteration is predicted to be deleterious by in silico analysis. Based on the available evidence, the clinical significance of this variant remains unclear.

Clinical Genetics, Academic Medical Center
Classification: Uncertain significance. Review status: no assertion criteria provided. Collection method: clinical testing. Allele origin: germline. Affected: yes. Study: VKGL Data-share Consensus. Not counted in ClinVar's aggregate classification.

Genome Diagnostics Laboratory, University Medical Center Utrecht
Classification: Uncertain significance. Review status: no assertion criteria provided. Collection method: clinical testing. Allele origin: germline. Affected: yes. Study: VKGL Data-share Consensus. Not counted in ClinVar's aggregate classification.

Joint Genome Diagnostic Labs from Nijmegen and Maastricht, Radboudumc and MUMC+
Classification: Uncertain significance. Review status: no assertion criteria provided. Collection method: clinical testing. Allele origin: germline. Affected: yes. Study: VKGL Data-share Consensus. Not counted in ClinVar's aggregate classification.

Literature cited by the submitters: PubMed 26555887 (cited by Ambry Genetics).